The following is an entry in ClinVar:

NM_001267550.2(TTN):c.99588_99595del (p.Phe33196fs)

Genes: TTN (titin; minus strand), TTN-AS1 (TTN antisense RNA 1; plus strand). Cytogenetic location: 2q31.2.
Variant type: Deletion.
Coding change: c.99588_99595del on transcript NM_001267550.2 (MANE Select); coding-DNA positions 99588 to 99595, 8 bases deleted (CCATCCTG; older notation c.99588_99595delCCATCCTG).
Protein change: p.Phe33196fs; shifts the reading frame from phenylalanine 33196.
Molecular consequence: frameshift variant. On other transcripts: non-coding transcript variant (1).
Genome position (GRCh38, 1-based): chr2:178,537,612-178,537,619, CAGGATGG deleted on the plus strand (CCATCCTG on the coding strand, the reverse complement: TTN is on the minus strand). VCF-style (leftmost placement, unchanged base first): chr2-178537611-CCAGGATGG-C. GRCh37 (hg19) VCF-style: chr2-179402338-CCAGGATGG-C.
Other names: c.94665_94672del, p.Phe31555fs (NM_001256850.1); c.72393_72400del, p.Phe24131fs (NM_003319.4); c.91884_91891del, p.Phe30628fs (NM_133378.4); c.72768_72775del, p.Phe24256fs (NM_133432.3); c.72969_72976del, p.Phe24323fs (NM_133437.4); c.99588_99595delCCATCCTG (NM_001267550.2); short protein forms F30628fs, F24131fs, F24256fs, F33196fs, F31555fs, F24323fs.
Identifiers: ClinVar variation 466678 (VCV000466678.10), dbSNP rs1553504889, ClinGen allele CA658657126.

ClinVar aggregate classification (germline): Likely pathogenic. Review status: criteria provided, single submitter (1 of 4 stars). 2 submissions from 1 submitter: Likely pathogenic (2). Last evaluated 2017-05-08.

Conditions:
Dilated cardiomyopathy 1G (CMD1G). Identifiers: Orphanet 154, MedGen C1858763, MONDO:0011400, OMIM 604145.
Autosomal recessive limb-girdle muscular dystrophy type 2J (LGMDR10). Also called: Limb-girdle muscular dystrophy, type 2J; MUSCULAR DYSTROPHY, LIMB-GIRDLE, AUTOSOMAL RECESSIVE 10. Identifiers: Orphanet 140922, MedGen C1837342, MONDO:0012127, OMIM 608807.

Submissions (2):

Labcorp Genetics (formerly Invitae), Labcorp
Classification: Likely pathogenic for Dilated cardiomyopathy 1G. Last evaluated: 2017-05-08. Review status: criteria provided, single submitter. Criteria: Invitae Variant Classification Sherloc (09022015). Collection method: clinical testing. Allele origin: germline.
Comment: This sequence change deletes 8 nucleotides from exon 355 of the TTN mRNA (c.99588_99595delCCATCCTG), causing a frameshift at codon 33196. This creates a premature translational stop signal (p.Phe33196Leufs*48) and is expected to result in a disrupted protein product. This variant is found in the A-band of this gene. While this particular variant has not been reported in the literature, truncating variants in the A-band of TTN are significantly overrepresented in patients with dilated cardiomyopathy and are considered to be likely pathogenic for the disease (PMID: 25589632). For these reasons, this variant has been classified as Likely Pathogenic.

Labcorp Genetics (formerly Invitae), Labcorp
Classification: Likely pathogenic for Dilated cardiomyopathy 1G; Autosomal recessive limb-girdle muscular dystrophy type 2J. Last evaluated: 2017-05-01. Review status: criteria provided, single submitter. Criteria: Invitae Variant Classification Sherloc (09022015). Collection method: clinical testing. Allele origin: germline.
Comment: This variant is found in the A-band of this gene. While this particular variant has not been reported in the literature, truncating variants in the A-band of TTN are significantly overrepresented in patients with dilated cardiomyopathy and are considered to be likely pathogenic for the disease (PMID: 25589632). This sequence change deletes 8 nucleotides from exon 355 of the TTN mRNA (c.99588_99595delCCATCCTG), causing a frameshift at codon 33196. This creates a premature translational stop signal (p.Phe33196Leufs*48) and is expected to result in a disrupted protein product. For these reasons, this variant has been classified as Likely Pathogenic.

Literature cited by the submitters: PubMed 25589632.